The following is an entry in ClinVar:

NM_000939.4(POMC):c.145G>T (p.Ala49Ser)

Genes: POMC (proopiomelanocortin; minus strand), LOC129933280 (ATAC-STARR-seq lymphoblastoid silent region 11244; plus strand). Cytogenetic location: 2p23.3.
Variant type: single nucleotide variant.
Coding change: c.145G>T on transcript NM_000939.4 (MANE Select); coding-DNA position 145, G replaced by T.
Protein change: p.Ala49Ser; replaces alanine 49 with serine.
Molecular consequence: missense variant.
Genome position (GRCh38, 1-based): chr2:25,161,740, C>A on the plus strand (G>T on the coding strand, the complement: POMC is on the minus strand). VCF-style: chr2-25161740-C-A. GRCh37 (hg19) VCF-style: chr2-25384609-C-A.
Other names: c.145G>T, p.Ala49Ser (NM_001035256.3, NM_001319204.2, NM_001319205.2); short protein forms A49S.
Identifiers: ClinVar variation 4996428 (VCV004996428.1).

ClinVar aggregate classification (germline): Uncertain significance (1 of 4 stars; one submission).

Conditions:
POMC-related disorder. Also called: POMC-related disorders; POMC-related condition.

Submission:

PreventionGenetics, part of Exact Sciences
Classification: Uncertain significance for POMC-related condition. Last evaluated: 2025-10-08. Review status: criteria provided, single submitter. Criteria: ACMG Guidelines, 2015. Collection method: clinical testing. Allele origin: germline.
Comment: The POMC c.145G>T variant is predicted to result in the amino acid substitution p.Ala49Ser. To our knowledge, this variant has not been reported in the literature or in a large population database (gnomAD), indicating this variant is rare. At this time, the clinical significance of this variant is uncertain due to the absence of conclusive functional and genetic evidence.